The following is an entry in ClinVar:

ClinVar aggregate classification (germline): Likely pathogenic (1 of 4 stars; one submission).

Submission:

GeneDx
Classification: Likely pathogenic. Last evaluated: 2024-01-31. Review status: criteria provided, single submitter. Criteria: GeneDx Variant Classification Process June 2021. Collection method: clinical testing. Allele origin: germline.
Comment: Canonical splice site variant predicted to result in a null allele in a gene for which loss of function is a known mechanism of disease; Not observed at significant frequency in large population cohorts (gnomAD); Has not been previously published as pathogenic or benign to our knowledge

NM_006618.5(KDM5B):c.4176+1G>A

Gene: KDM5B (lysine demethylase 5B; minus strand). Cytogenetic location: 1q32.1.
Variant type: single nucleotide variant.
Coding change: c.4176+1G>A on transcript NM_006618.5 (MANE Select); the canonical splice donor site of the intron after coding-DNA position 4176, G replaced by A.
Molecular consequence: splice donor variant.
Genome position (GRCh38, 1-based): chr1:202,730,908, C>T on the plus strand (G>A on the coding strand, the complement: KDM5B is on the minus strand). VCF-style: chr1-202730908-C-T. GRCh37 (hg19) VCF-style: chr1-202700036-C-T.
Other names: c.4161+1G>A (NM_001399817.1); c.4041+1G>A (NM_001347591.2); c.4284+1G>A (NM_001314042.2).
Identifiers: ClinVar variation 5016816 (VCV005016816.1).
Genomic context (GRCh38, chr1:202,730,908, plus strand): 5'-AAAATAAAGCATACCCCCACCCCAGACTGTGCCTTGCCCCAGAAGCCTCTCAGACACTCA[C>T]CTTCTCACTGCTGGGTCTCACTGGTGAGCTTCGGTCAGTCTGCTGAGCAGGGCTTGGCTT-3'